The following is an entry in ClinVar:

NM_015915.5(ATL1):c.585G>C (p.Glu195Asp)

Gene: ATL1 (atlastin GTPase 1; plus strand). Cytogenetic location: 14q22.1.
Variant type: single nucleotide variant.
Coding change: c.585G>C on transcript NM_015915.5 (MANE Select); coding-DNA position 585, G replaced by C.
Protein change: p.Glu195Asp; replaces glutamic acid 195 with aspartic acid.
Molecular consequence: missense variant.
Genome position (GRCh38, 1-based): chr14:50,595,587, G>C. VCF-style: chr14-50595587-G-C. GRCh37 (hg19) VCF-style: chr14-51062305-G-C.
Other names: c.585G>C, p.Glu195Asp (NM_001127713.1, NM_181598.4); short protein forms E195D.
Identifiers: ClinVar variation 4292512 (VCV004292512.1).

ClinVar aggregate classification (germline): Uncertain significance (1 of 4 stars; one submission).

Conditions:
Hereditary spastic paraplegia 3A (SPG3A). Also called: Spastic Paraplegia 3A; SPASTIC PARAPLEGIA 3, AUTOSOMAL DOMINANT; FAMILIAL SPASTIC PARAPLEGIA, AUTOSOMAL DOMINANT, 1; SPG3; STRUMPELL DISEASE; Spastic paraplegia 3A, autosomal dominant. Identifiers: Orphanet 100984, MedGen C2931355, MONDO:0008437, OMIM 182600.

Submission:

3billion
Classification: Uncertain significance for Hereditary spastic paraplegia 3A. Last evaluated: 2024-06-13. Review status: criteria provided, single submitter. Criteria: ACMG Guidelines, 2015. Collection method: clinical testing. Allele origin: germline. Affected: yes.
Comment: The variant is not observed in the gnomAD v4.0.0 dataset. Predicted Consequence/Location: Missense changes are a common disease-causing mechanism. In silico tool predictions suggest damaging effect of the variant on gene or gene product [REVEL: 0.74 (>=0.6, sensitivity 0.68 and specificity 0.92); 3Cnet: 0.67 (>=0.6, sensitivity 0.72 and precision 0.9)]. Different missense changes at the same codon (p.Glu195Ala, p.Glu195Lys) have been reported to be associated with ATL1 related disorder (ClinVar ID: VCV001996944 /PMID: 35586607). However the evidence of pathogenicity is insufficient at this time. Therefore, this variant is classified as VUS according to the recommendation of ACMG/AMP guideline.

Literature cited by the submitters: PubMed 35586607.